The following is an entry in ClinVar:

ClinVar aggregate classification (germline): Uncertain significance (1 of 4 stars; one submission).

Conditions:
Catecholaminergic polymorphic ventricular tachycardia 1. Also called: VENTRICULAR TACHYCARDIA, CATECHOLAMINERGIC POLYMORPHIC, 1, WITH OR WITHOUT ATRIAL DYSFUNCTION AND/OR DILATED CARDIOMYOPATHY; VENTRICULAR TACHYCARDIA, STRESS-INDUCED POLYMORPHIC 1; RYR2-Related Catecholaminergic Polymorphic Ventricular Tachycardia. Identifiers: Orphanet 3286, MedGen C1631597, MONDO:0011484, OMIM 604772.

Submission:

Labcorp Genetics (formerly Invitae), Labcorp
Classification: Uncertain significance for Catecholaminergic polymorphic ventricular tachycardia 1. Last evaluated: 2022-01-06. Review status: criteria provided, single submitter. Criteria: Invitae Variant Classification Sherloc (09022015). Collection method: clinical testing. Allele origin: germline.
Comment: In summary, the available evidence is currently insufficient to determine the role of this variant in disease. Therefore, it has been classified as a Variant of Uncertain Significance. Algorithms developed to predict the effect of missense changes on protein structure and function are either unavailable or do not agree on the potential impact of this missense change (SIFT: "Tolerated"; PolyPhen-2: "Possibly Damaging"; Align-GVGD: "Class C0"). This missense change has been observed in individual(s) with catecholaminergic polymorphic ventricular tachycardia (Invitae). This variant is not present in population databases (gnomAD no frequency). This sequence change replaces arginine, which is basic and polar, with proline, which is neutral and non-polar, at codon 253 of the CASQ2 protein (p.Arg253Pro).

NM_001232.4(CASQ2):c.758G>C (p.Arg253Pro)

Gene: CASQ2 (calsequestrin 2; minus strand). Cytogenetic location: 1p13.1.
Variant type: single nucleotide variant.
Coding change: c.758G>C on transcript NM_001232.4 (MANE Select); coding-DNA position 758, G replaced by C.
Protein change: p.Arg253Pro; replaces arginine 253 with proline.
Molecular consequence: missense variant.
Genome position (GRCh38, 1-based): chr1:115,725,533, C>G on the plus strand (G>C on the coding strand, the complement: CASQ2 is on the minus strand). VCF-style: chr1-115725533-C-G. GRCh37 (hg19) VCF-style: chr1-116268154-C-G.
Other names: short protein forms R253P.
Identifiers: ClinVar variation 1392060 (VCV001392060.7), dbSNP rs199571249, ClinGen allele CA341768567.
Genomic context (GRCh38, chr1:115,725,533, plus strand): 5'-CTCTACAAGGCAAAGAGAGTTTGCCTCTTTCTTACCCATGTTTCAAACATTTCTTCTGGG[C>G]GCAGGCGACGTAGAGTGGGTCTGGAAAAAAAAAAAAAAAAAAAAAAAGAAAGAGCTTCCT-3'
Protein context (NP_001223.2, residues 243-263): EHQRPTLRRL[Arg253Pro]PEEMFETWED